The following is an entry in ClinVar:

NC_000023.10:g.(?_32827590)_(32841967_?)dup

Gene: DMD (dystrophin; minus strand). Cytogenetic location: Xp21.1.
Variant type: Duplication.
Identifiers: ClinVar variation 584064 (VCV000584064.2).

ClinVar aggregate classification (germline): Pathogenic (1 of 4 stars; one submission).

Conditions:
Duchenne muscular dystrophy (DMD). Also called: MUSCULAR DYSTROPHY, PSEUDOHYPERTROPHIC PROGRESSIVE, DUCHENNE TYPE; Duchenne Muscular Dystrophy (DMD). Identifiers: Orphanet 98896, MedGen C0013264, MONDO:0010679, OMIM 310200.

Submission:

Labcorp Genetics (formerly Invitae), Labcorp
Classification: Pathogenic for Duchenne muscular dystrophy. Last evaluated: 2022-10-17. Review status: criteria provided, single submitter. Criteria: Invitae Variant Classification Sherloc (09022015). Collection method: clinical testing. Allele origin: germline.
Comment: This variant results in a copy number gain of the genomic region encompassing exon(s) 5-7 of the DMD gene. While the exact position of this variant cannot be determined from the data, sub-genic copy number gains are generally in tandem (PMID: 25640679). This variant is predicted to be out-of-frame, and may result in an absent or disrupted protein product. Loss-of-function variants in DMD are known to be pathogenic (PMID: 16770791, 25007885). A similar copy number variant has been observed in individuals with DMD-related muscular dystrophy (PMID: 16917894, 17726484, 18683213, 18752307, 27206868). For these reasons, this variant has been classified as Pathogenic.

Literature cited by the submitters: PubMed 25640679; PubMed 16770791; PubMed 25007885; PubMed 16917894; PubMed 17726484; PubMed 18683213; PubMed 18752307; PubMed 27206868.